The following is an entry in ClinVar:

NM_003001.5(SDHC):c.460del (p.Val154fs)

Gene: SDHC (succinate dehydrogenase complex subunit C; plus strand). Cytogenetic location: 1q23.3.
Variant type: Deletion.
Coding change: c.460del on transcript NM_003001.5 (MANE Select); coding-DNA position 460, one base deleted (G; older notation c.460delG).
Protein change: p.Val154fs; shifts the reading frame from valine 154.
Molecular consequence: frameshift variant.
Genome position (GRCh38, 1-based): chr1:161,362,383, G deleted; the last of 2 consecutive G bases (chr1:161,362,382-161,362,383); deleting either gives the same sequence. VCF-style (leftmost placement, unchanged base first): chr1-161362381-TG-T. GRCh37 (hg19) VCF-style: chr1-161332171-TG-T.
Other names: c.296delG, p.Gly99Valfs (NM_001035511.3); c.358delG, p.Val120Leufs (NM_001035512.3); c.301delG, p.Val101Leufs (NM_001035513.3); c.194delG, p.Gly65Valfs (NM_001278172.3); c.580delG, p.Val194Leufs (NM_001407115.1); c.403delG, p.Val135Leufs (NM_001407116.1); c.397delG, p.Val133Leufs (NM_001407117.1); c.352delG, p.Val118Leufs (NM_001407118.1); and 2 more; short protein forms V101fs, V154fs, G99fs, V120fs, G65fs.
Identifiers: ClinVar variation 184753 (VCV000184753.14), dbSNP rs786201665, ClinGen allele CA016362.
Genomic context (GRCh38, chr1:161,362,381, plus strand): 5'-GTCCACAGATGTGGGACCTAGGAAAAGGCCTGAAGATTCCCCAGCTATACCAGTCTGGAG[TG>T]GTTGTCCTGGTTCTTACTGTGTTGTCCTCTATGGGGCTGGCAGCCATGTGAAGAAAGGAG-3'

ClinVar aggregate classification (germline): Uncertain significance. Review status: criteria provided, multiple submitters, no conflicts (2 of 4 stars). 2 submissions from 2 submitters: Uncertain significance (2). Last evaluated 2021-04-22.

Conditions:
Gastrointestinal stromal tumor. Also called: Gastrointestinal stromal tumor, somatic; Gastrointestinal stroma tumor. Identifiers: Orphanet 44890, MedGen C0238198, MeSH D046152, MONDO:0011719, OMIM 606764, HP:0100723.
Pheochromocytoma/paraganglioma syndrome 3. Also called: SDHC-Related Hereditary Paraganglioma-Pheochromocytoma Syndrome; Paragangliomas 3; GLOMUS TUMORS, FAMILIAL, 3; SDHC-Related Hereditary Paraganglioma-Pheochromocytoma Syndrome (Paragangliomas 3). Identifiers: Orphanet 29072, MedGen C1854336, MONDO:0011544, OMIM 605373.
Hereditary cancer-predisposing syndrome. Also called: Tumor predisposition; Neoplastic Syndromes, Hereditary; Hereditary Cancer Syndrome; Hereditary neoplastic syndrome. Identifiers: Orphanet 140162, MedGen C0027672, MeSH D009386, MONDO:0015356.

Submissions (2):

Labcorp Genetics (formerly Invitae), Labcorp
Classification: Uncertain significance for Pheochromocytoma/paraganglioma syndrome 3; Gastrointestinal stromal tumor. Last evaluated: 2021-04-22. Review status: criteria provided, single submitter. Criteria: Invitae Variant Classification Sherloc (09022015). Collection method: clinical testing. Allele origin: germline.
Comment: This variant has been observed in individual(s) with paraganglioma (Invitae). ClinVar contains an entry for this variant (Variation ID: 184753). In summary, the available evidence is currently insufficient to determine the role of this variant in disease. Therefore, it has been classified as a Variant of Uncertain Significance. This variant disrupts a region of the protein in which other variant(s) (p.Leu158Pro) have been observed in individuals with SDHC-related conditions (PMID: 12807974, 30877234). This suggests that this may be a clinically significant region of the SDHC protein. This variant is not present in population databases (ExAC no frequency). This sequence change results in a frameshift in the SDHC gene (p.Val154Leufs*117). While this is not anticipated to result in nonsense mediated decay, it is expected to disrupt the last 16 amino acid(s) of the SDHC protein and extend the protein by 100 additional amino acid residues.

Ambry Genetics
Classification: Uncertain significance for Hereditary cancer-predisposing syndrome. Last evaluated: 2018-11-02. Review status: criteria provided, single submitter. Criteria: Ambry Variant Classification Scheme 2023. Collection method: clinical testing. Allele origin: germline.
Comment: The c.460delG variant, located in coding exon 6 of the SDHC gene, results from a deletion of one nucleotide at position 460, causing a translational frameshift with a predicted alternate stop codon (p.V154Lfs*117). Frameshifts are typically deleterious in nature, however, this frameshift occurs at the 3' terminus of SDHC, is not expected to trigger nonsense-mediated mRNA decay, and results in the elongation of the protein by 100 amino acids. The exact functional impact of these inserted amino acids is unknown at this time. Since supporting evidence is limited at this time, the clinical significance of this alteration remains unclear.

Literature cited by the submitters: PubMed 12807974 (cited by Labcorp Genetics (formerly Invitae), Labcorp); PubMed 30877234 (cited by Labcorp Genetics (formerly Invitae), Labcorp); PubMed 22517554 (cited by Ambry Genetics); PubMed 23175444 (cited by Ambry Genetics).